The following is an entry in ClinVar:

ClinVar aggregate classification (germline): Uncertain significance. Review status: criteria provided, multiple submitters, no conflicts (2 of 4 stars). 4 submissions from 4 submitters: Uncertain significance (4). Last evaluated 2024-09-04.

Conditions:
Von Hippel-Lindau syndrome (VHLS). Also called: Von Hippel-Lindau; von Hippel–Lindau syndrome; VHL syndrome. Identifiers: Orphanet 892, MedGen C0019562, MONDO:0008667, OMIM 193300. Disease mechanism: loss of function.
Chuvash polycythemia. Also called: POLYCYTHEMIA, VHL-DEPENDENT. Identifiers: Orphanet 238557, MedGen C1837915, MONDO:0009892, OMIM 263400.
Hereditary cancer-predisposing syndrome. Also called: Hereditary Cancer Syndrome; Neoplastic Syndromes, Hereditary; Tumor predisposition; Hereditary neoplastic syndrome. Identifiers: Orphanet 140162, MedGen C0027672, MeSH D009386, MONDO:0015356.
Nonpapillary renal cell carcinoma. Identifiers: Orphanet 422526, MedGen CN074294, MONDO:0007763, OMIM 144700.
Pheochromocytoma. Also called: MAX-Related Hereditary Paraganglioma-Pheochromocytoma Syndrome. Identifiers: Orphanet 29072, MedGen C0031511, MONDO:0008233, OMIM 171300, HP:0002666.

gnomAD v4.1: 5 of 1,533,598 alleles (0.00033%); highest among the groups gnomAD compares: Non-Finnish European, 0.00044%; no homozygotes.

Submissions (4):

Labcorp Genetics (formerly Invitae), Labcorp
Classification: Uncertain significance for Von Hippel-Lindau syndrome; Chuvash polycythemia. Last evaluated: 2024-09-04. Review status: criteria provided, single submitter. Criteria: Invitae Variant Classification Sherloc (09022015). Collection method: clinical testing. Allele origin: germline.
Comment: This sequence change replaces glutamic acid, which is acidic and polar, with valine, which is neutral and non-polar, at codon 10 of the VHL protein (p.Glu10Val). This variant is not present in population databases (gnomAD no frequency). This variant has not been reported in the literature in individuals affected with VHL-related conditions. ClinVar contains an entry for this variant (Variation ID: 188098). Invitae Evidence Modeling of protein sequence and biophysical properties (such as structural, functional, and spatial information, amino acid conservation, physicochemical variation, residue mobility, and thermodynamic stability) indicates that this missense variant is not expected to disrupt VHL protein function with a negative predictive value of 95%. In summary, the available evidence is currently insufficient to determine the role of this variant in disease. Therefore, it has been classified as a Variant of Uncertain Significance.

Fulgent Genetics
Classification: Uncertain significance for Nonpapillary renal cell carcinoma; Pheochromocytoma; Von Hippel-Lindau syndrome; Chuvash polycythemia. Last evaluated: 2024-04-28. Review status: criteria provided, single submitter. Criteria: ACMG Guidelines, 2015. Collection method: clinical testing. Allele origin: germline.

Ambry Genetics
Classification: Uncertain significance for Hereditary cancer-predisposing syndrome. Last evaluated: 2023-11-21. Review status: criteria provided, single submitter. Criteria: Ambry Variant Classification Scheme 2023. Collection method: clinical testing. Allele origin: germline.
Comment: The p.E10V variant (also known as c.29A>T), located in coding exon 1 of the VHL gene, results from an A to T substitution at nucleotide position 29. The glutamic acid at codon 10 is replaced by valine, an amino acid with dissimilar properties. This amino acid position is well conserved in available vertebrate species. In addition, the in silico prediction for this alteration is inconclusive. Since supporting evidence is limited at this time, the clinical significance of this alteration remains unclear.

Baylor Genetics
Classification: Uncertain significance for Chuvash polycythemia. Last evaluated: 2023-06-28. Review status: criteria provided, single submitter. Criteria: ACMG Guidelines, 2015. Collection method: clinical testing. Allele origin: unknown.

NM_000551.4(VHL):c.29A>T (p.Glu10Val)

Gene: VHL (von Hippel-Lindau tumor suppressor; plus strand). Cytogenetic location: 3p25.3.
Variant type: single nucleotide variant.
Coding change: c.29A>T on transcript NM_000551.4 (MANE Select); coding-DNA position 29, A replaced by T.
Protein change: p.Glu10Val; replaces glutamic acid 10 with valine.
Molecular consequence: missense variant.
Genome position (GRCh38, 1-based): chr3:10,141,876, A>T. VCF-style: chr3-10141876-A-T. GRCh37 (hg19) VCF-style: chr3-10183560-A-T.
Other names: c.29A>T, p.Glu10Val (NM_001354723.2, NM_198156.3); short protein forms E10V.
Identifiers: ClinVar variation 188098 (VCV000188098.14), dbSNP rs786204065, ClinGen allele CA020251.